The following is an entry in ClinVar:

NM_014365.3(HSPB8):c.311G>A (p.Ser104Asn)

Gene: HSPB8 (heat shock protein family B (small) member 8; plus strand). Cytogenetic location: 12q24.23.
Variant type: single nucleotide variant.
Coding change: c.311G>A on transcript NM_014365.3 (MANE Select); coding-DNA position 311, G replaced by A.
Protein change: p.Ser104Asn; replaces serine 104 with asparagine.
Molecular consequence: missense variant.
Genome position (GRCh38, 1-based): chr12:119,179,623, G>A. VCF-style: chr12-119179623-G-A. GRCh37 (hg19) VCF-style: chr12-119617428-G-A.
Other names: short protein forms S104N.
Identifiers: ClinVar variation 953419 (VCV000953419.9), dbSNP rs1036182864, ClinGen allele CA244334998.

ClinVar aggregate classification (germline): Uncertain significance (1 of 4 stars; one submission).

Conditions:
Charcot-Marie-Tooth disease axonal type 2L. Also called: CHARCOT-MARIE-TOOTH DISEASE, AXONAL, AUTOSOMAL DOMINANT, TYPE 2L; CHARCOT-MARIE-TOOTH NEUROPATHY, AXONAL, TYPE 2L; Charcot-Marie-Tooth Neuropathy Type 2L. Identifiers: Orphanet 99945, MedGen C1837552, MONDO:0012096, OMIM 608673.

Allele frequency attached by ClinVar (database versions not stated): gnomAD exomes below 0.00001; TOPMed 0.00002; gnomAD 0.00003.
gnomAD v4.1: 6 of 1,601,242 alleles (0.00037%); highest among the groups gnomAD compares: African/African-American, 0.0081%; no homozygotes.

Submission:

Labcorp Genetics (formerly Invitae), Labcorp
Classification: Uncertain significance for Charcot-Marie-Tooth disease axonal type 2L. Last evaluated: 2023-04-15. Review status: criteria provided, single submitter. Criteria: Invitae Variant Classification Sherloc (09022015). Collection method: clinical testing. Allele origin: germline.
Comment: In summary, the available evidence is currently insufficient to determine the role of this variant in disease. Therefore, it has been classified as a Variant of Uncertain Significance. An algorithm developed to predict the effect of missense changes on protein structure and function (PolyPhen-2) suggests that this variant is likely to be disruptive. ClinVar contains an entry for this variant (Variation ID: 953419). This variant has not been reported in the literature in individuals affected with HSPB8-related conditions. This variant is not present in population databases (gnomAD no frequency). This sequence change replaces serine, which is neutral and polar, with asparagine, which is neutral and polar, at codon 104 of the HSPB8 protein (p.Ser104Asn).